The following is an entry in ClinVar:

NM_145239.3(PRRT2):c.168G>A (p.Ala56=)

Genes: MVP-DT (MVP divergent transcript; minus strand), PRRT2 (proline rich transmembrane protein 2; plus strand). Cytogenetic location: 16p11.2.
Variant type: single nucleotide variant.
Coding change: c.168G>A on transcript NM_145239.3 (MANE Select); coding-DNA position 168, G replaced by A.
Protein change: p.Ala56=; no amino-acid change (alanine 56 retained).
Molecular consequence: synonymous variant.
Genome position (GRCh38, 1-based): chr16:29,813,222, G>A. VCF-style: chr16-29813222-G-A. GRCh37 (hg19) VCF-style: chr16-29824543-G-A.
Other names: c.168G>A, p.Ala56= (NM_001256442.2, NM_001256443.2); c.168G>A (NM_001256442.1).
Identifiers: ClinVar variation 1051562 (VCV001051562.11), dbSNP rs749595059, ClinGen allele CA7994483.

ClinVar aggregate classification (germline): Likely benign. Review status: criteria provided, single submitter (1 of 4 stars). 2 submissions from 2 submitters: Likely benign (1). 1 of the submissions does not count toward it. Last evaluated 2025-05-05.

Conditions:
PRRT2-Related Disorder. Also called: PRRT2-related disorders. Identifiers: MedGen CN381059.
Episodic kinesigenic dyskinesia (EKD). Also called: Paroxysmal kinesigenic dyskinesia. Identifiers: Orphanet 98809, MedGen C1868682, MONDO:0044202.

Allele frequency attached by ClinVar (database versions not stated): gnomAD exomes 0.00002; ExAC 0.00003.

Submissions (2):

Labcorp Genetics (formerly Invitae), Labcorp
Classification: Likely benign for Episodic kinesigenic dyskinesia. Last evaluated: 2025-05-05. Review status: criteria provided, single submitter. Criteria: Invitae Variant Classification Sherloc (09022015). Collection method: clinical testing. Allele origin: germline.

PreventionGenetics, part of Exact Sciences
Classification: Likely benign for PRRT2-related condition. Last evaluated: 2019-09-13. Review status: no assertion criteria provided. Collection method: clinical testing. Allele origin: germline. Not counted in ClinVar's aggregate classification.
Comment: This variant is classified as likely benign based on ACMG/AMP sequence variant interpretation guidelines (Richards et al. 2015 PMID: 25741868, with internal and published modifications).